The following is an entry in ClinVar:

ClinVar aggregate classification (germline): Uncertain significance (0 of 4 stars; one submission).

Conditions:
SH2B1-related disorder. Also called: SH2B1-related condition.

gnomAD v4.1: 4 of 1,613,996 alleles (0.00025%); no homozygotes.

Submission:

PreventionGenetics, part of Exact Sciences
Classification: Uncertain significance for SH2B1-related condition. Last evaluated: 2024-05-29. Review status: no assertion criteria provided. Collection method: clinical testing. Allele origin: germline.
Comment: The SH2B1 c.467G>T variant is predicted to result in the amino acid substitution p.Arg156Leu. To our knowledge, this variant has not been reported in the literature. This variant is reported in 0.0093% of alleles in individuals of European (Finnish) descent in gnomAD. At this time, the clinical significance of this variant is uncertain due to the absence of conclusive functional and genetic evidence.

NM_001387430.1(SH2B1):c.467G>T (p.Arg156Leu)

Gene: SH2B1 (SH2B adaptor protein 1; plus strand). Cytogenetic location: 16p11.2.
Variant type: single nucleotide variant.
Coding change: c.467G>T on transcript NM_001387430.1 (MANE Select); coding-DNA position 467, G replaced by T.
Protein change: p.Arg156Leu; replaces arginine 156 with leucine.
Molecular consequence: missense variant. On other transcripts: intron variant (1).
Genome position (GRCh38, 1-based): chr16:28,866,561, G>T. VCF-style: chr16-28866561-G-T. GRCh37 (hg19) VCF-style: chr16-28877882-G-T.
Other names: c.467G>T, p.Arg156Leu (NM_001145795.2, NM_001145796.2, NM_001145797.2 and 4 more transcripts); c.-26-813G>T (NM_001308294.2); short protein forms R156L.
Identifiers: ClinVar variation 3346457 (VCV003346457.1).